The following is an entry in ClinVar:

ClinVar aggregate classification (germline): Benign/Likely benign. Review status: criteria provided, multiple submitters, no conflicts (2 of 4 stars). 3 submissions from 3 submitters: Benign (1); Likely benign (2). Last evaluated 2025-09-30.

Conditions:
Hereditary cancer-predisposing syndrome. Also called: Hereditary neoplastic syndrome; Tumor predisposition; Neoplastic Syndromes, Hereditary; Hereditary Cancer Syndrome. Identifiers: Orphanet 140162, MedGen C0027672, MeSH D009386, MONDO:0015356.
Hereditary diffuse gastric adenocarcinoma (HDGC). Also called: DIFFUSE GASTRIC AND LOBULAR BREAST CANCER SYNDROME. Identifiers: Orphanet 26106, MedGen C1708349, MONDO:0007648, OMIM 137215.

Submissions (3):

Labcorp Genetics (formerly Invitae), Labcorp
Classification: Likely benign. Last evaluated: 2025-09-30. Review status: criteria provided, single submitter. Criteria: Invitae Variant Classification Sherloc (09022015). Collection method: clinical testing. Allele origin: germline.

Myriad Genetics, Inc.
Classification: Benign for Hereditary diffuse gastric adenocarcinoma. Last evaluated: 2024-10-14. Review status: criteria provided, single submitter. Criteria: Myriad Autosomal Dominant, Autosomal Recessive and X-Linked Classification Criteria (2023). Collection method: clinical testing. Allele origin: unknown.
Comment: This variant is considered benign. This variant is a silent/synonymous amino acid change and it is not expected to impact splicing.

Ambry Genetics
Classification: Likely benign for Hereditary cancer-predisposing syndrome. Last evaluated: 2023-07-05. Review status: criteria provided, single submitter. Criteria: Ambry Variant Classification Scheme 2023. Collection method: clinical testing. Allele origin: germline.

NM_001903.5(CTNNA1):c.1836C>A (p.Ile612=)

Gene: CTNNA1 (catenin alpha 1; plus strand). Cytogenetic location: 5q31.2.
Variant type: single nucleotide variant.
Coding change: c.1836C>A on transcript NM_001903.5 (MANE Select); coding-DNA position 1836, C replaced by A.
Protein change: p.Ile612=; no amino-acid change (isoleucine 612 retained).
Molecular consequence: synonymous variant.
Genome position (GRCh38, 1-based): chr5:138,925,344, C>A. VCF-style: chr5-138925344-C-A. GRCh37 (hg19) VCF-style: chr5-138261033-C-A.
Other names: c.1836C>A (NM_001903.2); c.1836C>A, p.Ile612= (NM_001290307.3, NM_001323982.2, NM_001323983.1 and 2 more transcripts); c.1527C>A, p.Ile509= (NM_001290309.3); c.1467C>A, p.Ile489= (NM_001290310.3); c.726C>A, p.Ile242= (NM_001290312.1, NM_001323987.1, NM_001323988.1 and 17 more transcripts); c.1743C>A, p.Ile581= (NM_001323986.2); c.387C>A, p.Ile129= (NM_001324006.1, NM_001324007.1, NM_001324008.1 and 2 more transcripts); c.633C>A, p.Ile211= (NM_001324011.1); and 1 more.
Identifiers: ClinVar variation 1106128 (VCV001106128.13), dbSNP rs759003621, ClinGen allele CA446597378.